The following is an entry in ClinVar:

ClinVar aggregate classification (germline): Likely benign. Review status: criteria provided, single submitter (1 of 4 stars). 2 submissions from 2 submitters: Likely benign (1). 1 of the submissions does not count toward it. Last evaluated 2025-10-16.

Conditions:
ALG12-related disorder. Also called: ALG12-related condition.
ALG12-congenital disorder of glycosylation (CDG1G). Also called: ALG12-CDG; CDG Ig; Congenital disorder of glycosylation, type Ig. Identifiers: Orphanet 79324, MedGen C2931001, MONDO:0011783, OMIM 607143.

Allele frequency attached by ClinVar (database versions not stated): ExAC 0.00002; gnomAD 0.00002; gnomAD exomes 0.00003 and 0.00007; TOPMed 0.00004.
gnomAD v4.1: 49 of 1,613,892 alleles (0.003%); highest among the groups gnomAD compares: Admixed American, 0.025%; no homozygotes.

Submissions (2):

Labcorp Genetics (formerly Invitae), Labcorp
Classification: Likely benign for ALG12-congenital disorder of glycosylation. Last evaluated: 2025-10-16. Review status: criteria provided, single submitter. Criteria: Invitae Variant Classification Sherloc (09022015). Collection method: clinical testing. Allele origin: germline.

PreventionGenetics, part of Exact Sciences
Classification: Likely benign for ALG12-related condition. Last evaluated: 2020-03-23. Review status: no assertion criteria provided. Collection method: clinical testing. Allele origin: germline. Not counted in ClinVar's aggregate classification.
Comment: This variant is classified as likely benign based on ACMG/AMP sequence variant interpretation guidelines (Richards et al. 2015 PMID: 25741868, with internal and published modifications).

NM_024105.4(ALG12):c.207C>T (p.Leu69=)

Gene: ALG12 (ALG12 alpha-1,6-mannosyltransferase; minus strand). Cytogenetic location: 22q13.33.
Variant type: single nucleotide variant.
Coding change: c.207C>T on transcript NM_024105.4 (MANE Select); coding-DNA position 207, C replaced by T.
Protein change: p.Leu69=; no amino-acid change (leucine 69 retained).
Molecular consequence: synonymous variant.
Genome position (GRCh38, 1-based): chr22:49,913,473, G>A on the plus strand (C>T on the coding strand, the complement: ALG12 is on the minus strand). VCF-style: chr22-49913473-G-A. GRCh37 (hg19) VCF-style: chr22-50307121-G-A.
Identifiers: ClinVar variation 471229 (VCV000471229.12), dbSNP rs765297992, ClinGen allele CA10300698.